The following is an entry in ClinVar:

NM_007325.5(GRIA3):c.14A>C (p.Lys5Thr)

Gene: GRIA3 (glutamate ionotropic receptor AMPA type subunit 3; plus strand). Cytogenetic location: Xq25.
Variant type: single nucleotide variant.
Coding change: c.14A>C on transcript NM_007325.5 (MANE Select); coding-DNA position 14, A replaced by C.
Protein change: p.Lys5Thr; replaces lysine 5 with threonine.
Molecular consequence: missense variant.
Genome position (GRCh38, 1-based): chrX:123,184,549, A>C. VCF-style: chrX-123184549-A-C. GRCh37 (hg19) VCF-style: chrX-122318401-A-C.
Other names: c.14A>C, p.Lys5Thr (NM_000828.5, NM_001256743.2); c.14A>C (NM_000828.4); short protein forms K5T.
Identifiers: ClinVar variation 1429226 (VCV001429226.7), dbSNP rs1457703957, ClinGen allele CA414254708.

ClinVar aggregate classification (germline): Uncertain significance. Review status: criteria provided, multiple submitters, no conflicts (2 of 4 stars). 2 submissions from 2 submitters: Uncertain significance (2). Last evaluated 2025-05-29.

Allele frequency attached by ClinVar (database versions not stated): gnomAD exomes below 0.00001; gnomAD 0.00001; TOPMed 0.00001.
gnomAD v4.1: 5 of 1,206,609 alleles (0.00041%); highest among the groups gnomAD compares: African/African-American, 0.0071%; no homozygotes.

Submissions (2):

GeneDx
Classification: Uncertain significance. Last evaluated: 2025-05-29. Review status: criteria provided, single submitter. Criteria: GeneDx Variant Classification Process June 2021. Collection method: clinical testing. Allele origin: germline. Affected: yes.
Comment: In silico analysis suggests that this missense variant does not alter protein structure/function; Has not been previously published as pathogenic or benign to our knowledge

Labcorp Genetics (formerly Invitae), Labcorp
Classification: Uncertain significance. Last evaluated: 2022-08-15. Review status: criteria provided, single submitter. Criteria: Invitae Variant Classification Sherloc (09022015). Collection method: clinical testing. Allele origin: germline.
Comment: In summary, the available evidence is currently insufficient to determine the role of this variant in disease. Therefore, it has been classified as a Variant of Uncertain Significance. Algorithms developed to predict the effect of missense changes on protein structure and function (SIFT, PolyPhen-2, Align-GVGD) all suggest that this variant is likely to be tolerated. ClinVar contains an entry for this variant (Variation ID: 1429226). This variant is present in population databases (no rsID available, gnomAD 0.02%). This variant has not been reported in the literature in individuals affected with GRIA3-related conditions. This sequence change replaces lysine, which is basic and polar, with threonine, which is neutral and polar, at codon 5 of the GRIA3 protein (p.Lys5Thr).